The following is an entry in ClinVar:

ClinVar aggregate classification (germline): Uncertain significance (1 of 4 stars; one submission).

Conditions:
Combined immunodeficiency due to LRBA deficiency. Also called: Common variable immunodeficiency 8, with autoimmunity. Identifiers: Orphanet 445018, MedGen C3553512, MONDO:0013863, OMIM 614700.

Allele frequency attached by ClinVar (database versions not stated): gnomAD exomes below 0.00001.
gnomAD v4.1: 4 of 1,611,348 alleles (0.00025%); highest among the groups gnomAD compares: Non-Finnish European, 0.00034%; no homozygotes.

Submission:

Labcorp Genetics (formerly Invitae), Labcorp
Classification: Uncertain significance for Combined immunodeficiency due to LRBA deficiency. Last evaluated: 2022-08-23. Review status: criteria provided, single submitter. Criteria: Invitae Variant Classification Sherloc (09022015). Collection method: clinical testing. Allele origin: germline.
Comment: In summary, the available evidence is currently insufficient to determine the role of this variant in disease. Therefore, it has been classified as a Variant of Uncertain Significance. Algorithms developed to predict the effect of missense changes on protein structure and function (SIFT, PolyPhen-2, Align-GVGD) all suggest that this variant is likely to be tolerated. ClinVar contains an entry for this variant (Variation ID: 1061786). This variant has not been reported in the literature in individuals affected with LRBA-related conditions. This variant is not present in population databases (gnomAD no frequency). This sequence change replaces alanine, which is neutral and non-polar, with valine, which is neutral and non-polar, at codon 1485 of the LRBA protein (p.Ala1485Val).

NM_001364905.1(LRBA):c.4454C>T (p.Ala1485Val)

Gene: LRBA (LPS responsive beige-like anchor protein; minus strand). Cytogenetic location: 4q31.3.
Variant type: single nucleotide variant.
Coding change: c.4454C>T on transcript NM_001364905.1 (MANE Select); coding-DNA position 4454, C replaced by T.
Protein change: p.Ala1485Val; replaces alanine 1485 with valine.
Molecular consequence: missense variant.
Genome position (GRCh38, 1-based): chr4:150,844,665, G>A on the plus strand (C>T on the coding strand, the complement: LRBA is on the minus strand). VCF-style: chr4-150844665-G-A. GRCh37 (hg19) VCF-style: chr4-151765817-G-A.
Other names: c.4454C>T, p.Ala1485Val (NM_001199282.3, NM_001367550.1, NM_006726.5); short protein forms A1485V.
Identifiers: ClinVar variation 1061786 (VCV001061786.9), dbSNP rs2126887252, ClinGen allele CA358450791.